The following is an entry in ClinVar:

NM_001372.4(DNAH9):c.158A>C (p.Glu53Ala)

Gene: DNAH9 (dynein axonemal heavy chain 9; plus strand). Cytogenetic location: 17p12.
Variant type: single nucleotide variant.
Coding change: c.158A>C on transcript NM_001372.4 (MANE Select); coding-DNA position 158, A replaced by C.
Protein change: p.Glu53Ala; replaces glutamic acid 53 with alanine.
Molecular consequence: missense variant.
Genome position (GRCh38, 1-based): chr17:11,598,656, A>C. VCF-style: chr17-11598656-A-C. GRCh37 (hg19) VCF-style: chr17-11501973-A-C.
Other names: short protein forms E53A.
Identifiers: ClinVar variation 2421824 (VCV002421824.3), dbSNP rs1220647730, ClinGen allele CA398153773.
Genomic context (GRCh38, chr17:11,598,656, plus strand): 5'-CCATGAGCCTGCGGCCGGCTGCGGGCGCCTGGGAGCGTTGCGCGGGGAGTGCTGAGGCGG[A>C]GCAGCTGCTCCAGGCCTTCCTGGGCCGCGATGCTGCCGAGGGGCCGCGGCCGCTGCTGGT-3'
Protein context (NP_001363.2, residues 43-63): WERCAGSAEA[Glu53Ala]QLLQAFLGRD

ClinVar aggregate classification (germline): Uncertain significance (1 of 4 stars; one submission).

Allele frequency attached by ClinVar (database versions not stated): gnomAD 0.00002; TOPMed 0.00003.
gnomAD v4.1: 121 of 1,354,974 alleles (0.0089%); highest among the groups gnomAD compares: Non-Finnish European, 0.011%; no homozygotes.

Submission:

Labcorp Genetics (formerly Invitae), Labcorp
Classification: Uncertain significance. Last evaluated: 2022-07-19. Review status: criteria provided, single submitter. Criteria: Invitae Variant Classification Sherloc (09022015). Collection method: clinical testing. Allele origin: germline.
Comment: In summary, the available evidence is currently insufficient to determine the role of this variant in disease. Therefore, it has been classified as a Variant of Uncertain Significance. Algorithms developed to predict the effect of missense changes on protein structure and function (SIFT, PolyPhen-2, Align-GVGD) all suggest that this variant is likely to be tolerated. This variant has not been reported in the literature in individuals affected with DNAH9-related conditions. This variant is not present in population databases (gnomAD no frequency). This sequence change replaces glutamic acid, which is acidic and polar, with alanine, which is neutral and non-polar, at codon 53 of the DNAH9 protein (p.Glu53Ala).